The following is an entry in ClinVar:

NM_001759.4(CCND2):c.159C>G (p.Pro53=)

Genes: CCND2 (cyclin D2; plus strand), CCND2-AS1 (CCND2 antisense RNA 1; minus strand). Cytogenetic location: 12p13.32.
Variant type: single nucleotide variant.
Coding change: c.159C>G on transcript NM_001759.4 (MANE Select); coding-DNA position 159, C replaced by G.
Protein change: p.Pro53=; no amino-acid change (proline 53 retained).
Molecular consequence: synonymous variant.
Genome position (GRCh38, 1-based): chr12:4,274,199, C>G. VCF-style: chr12-4274199-C-G. GRCh37 (hg19) VCF-style: chr12-4383365-C-G.
Identifiers: ClinVar variation 4821089 (VCV004821089.4).

ClinVar aggregate classification (germline): Likely benign (1 of 4 stars; one submission).

Submission:

CeGaT Center for Human Genetics Tuebingen
Classification: Likely benign. Last evaluated: 2026-01-01. Review status: criteria provided, single submitter. Criteria: CeGaT Center For Human Genetics Tuebingen Variant Classification Criteria Version 2. Collection method: clinical testing. Allele origin: germline. Affected: yes. Observed: 1 variant allele.
Comment: CCND2: PM2:Supporting, BP4, BP7